The following is an entry in ClinVar:

NM_000271.5(NPC1):c.872G>A (p.Trp291Ter)

Gene: NPC1 (NPC intracellular cholesterol transporter 1; minus strand). Cytogenetic location: 18q11.2.
Variant type: single nucleotide variant.
Coding change: c.872G>A on transcript NM_000271.5 (MANE Select); coding-DNA position 872, G replaced by A.
Protein change: p.Trp291Ter; replaces tryptophan 291 with a stop codon.
Molecular consequence: nonsense.
Genome position (GRCh38, 1-based): chr18:23,560,240, C>T on the plus strand (G>A on the coding strand, the complement: NPC1 is on the minus strand). VCF-style: chr18-23560240-C-T. GRCh37 (hg19) VCF-style: chr18-21140204-C-T.
Other names: short protein forms W291*.
Identifiers: ClinVar variation 983761 (VCV000983761.3), dbSNP rs2059018297, ClinGen allele CA401780771.

ClinVar aggregate classification (germline): Likely pathogenic (1 of 4 stars; one submission).

Conditions:
Niemann-Pick disease, type C1. Also called: NIEMANN-PICK DISEASE, VARIANT TYPE C1; NIEMANN-PICK DISEASE WITHOUT SPHINGOMYELINASE DEFICIENCY; NIEMANN-PICK DISEASE, CHRONIC NEURONOPATHIC FORM; NEUROVISCERAL STORAGE DISEASE WITH VERTICAL SUPRANUCLEAR OPHTHALMOPLEGIA; NIEMANN-PICK DISEASE WITH CHOLESTEROL ESTERIFICATION BLOCK. Identifiers: Orphanet 646, MedGen C3179455, MONDO:0009757, OMIM 257220.

Submission:

Myriad Genetics, Inc.
Classification: Likely pathogenic for Niemann-Pick disease, type C1. Last evaluated: 2020-02-21. Review status: criteria provided, single submitter. Criteria: Myriad Women's Health Autosomal Recessive and X-Linked Classification Criteria (2019). Collection method: clinical testing. Allele origin: unknown.
Comment: NM_000271.4(NPC1):c.872G>A(W291*) is expected to be pathogenic in the context of Niemann-Pick disease type C1. This variant is predicted to lead to an abnormal or absent protein product due to the creation of a premature termination codon in NPC1, a gene where loss-of-function variants are known to be pathogenic. Please note: this variant was assessed in the context of healthy population screening.